The following is an entry in ClinVar:

ClinVar aggregate classification (germline): Uncertain significance (1 of 4 stars; one submission).

Conditions:
Inborn genetic diseases. Identifiers: MedGen C0950123, MeSH D030342.

gnomAD v4.1: 15 of 1,614,152 alleles (0.00093%); highest among the groups gnomAD compares: South Asian, 0.016%; no homozygotes.

Submission:

Ambry Genetics
Classification: Uncertain significance for Inborn genetic diseases. Last evaluated: 2025-11-12. Review status: criteria provided, single submitter. Criteria: Ambry Variant Classification Scheme 2023. Collection method: clinical testing. Allele origin: germline.
Comment: The c.784A>C (p.K262Q) alteration is located in exon 1 (coding exon 1) of the KLHL41 gene. This alteration results from a A to C substitution at nucleotide position 784, causing the lysine (K) at amino acid position 262 to be replaced by a glutamine (Q). Based on data from gnomAD, the C allele has an overall frequency of 0.002% (5/251354) total alleles studied. The highest observed frequency was 0.016% (5/30592) of South Asian alleles. Based on insufficient or conflicting evidence, the clinical significance of this alteration remains unclear.

NM_006063.3(KLHL41):c.784A>C (p.Lys262Gln)

Gene: KLHL41 (kelch like family member 41; plus strand). Cytogenetic location: 2q31.1.
Variant type: single nucleotide variant.
Coding change: c.784A>C on transcript NM_006063.3 (MANE Select); coding-DNA position 784, A replaced by C.
Protein change: p.Lys262Gln; replaces lysine 262 with glutamine.
Molecular consequence: missense variant.
Genome position (GRCh38, 1-based): chr2:169,510,562, A>C. VCF-style: chr2-169510562-A-C. GRCh37 (hg19) VCF-style: chr2-170367072-A-C.
Other names: short protein forms K262Q.
Identifiers: ClinVar variation 4623037 (VCV004623037.1).